The following is an entry in ClinVar:

ClinVar aggregate classification (germline): Conflicting classifications of pathogenicity. Review status: criteria provided, conflicting classifications (1 of 4 stars). 2 submissions from 2 submitters: Uncertain significance (1); Likely benign (1). Last evaluated 2026-07-28.

Conditions:
Cardiovascular phenotype. Identifiers: MedGen CN230736.
Hereditary cancer-predisposing syndrome. Also called: Hereditary Cancer Syndrome; Tumor predisposition; Neoplastic Syndromes, Hereditary; Hereditary neoplastic syndrome. Identifiers: Orphanet 140162, MedGen C0027672, MeSH D009386, MONDO:0015356.
Neurofibromatosis, type 1 (NF1). Also called: NEUROFIBROMATOSIS, TYPE I, SOMATIC; Peripheral type neurofibromatosis; VON RECKLINGHAUSEN DISEASE; Neurofibromatosis, type I. Identifiers: Orphanet 636, MedGen C0027831, MONDO:0018975, OMIM 162200. Disease mechanism: loss of function.

Submissions (2):

Ambry Genetics
Classification: Likely benign for Cardiovascular phenotype; Hereditary cancer-predisposing syndrome. Last evaluated: 2026-07-28. Review status: criteria provided, single submitter. Criteria: Ambry Variant Classification Scheme 2023. Collection method: clinical testing. Allele origin: germline.

Labcorp Genetics (formerly Invitae), Labcorp
Classification: Uncertain significance for Neurofibromatosis, type 1. Last evaluated: 2021-03-15. Review status: criteria provided, single submitter. Criteria: Invitae Variant Classification Sherloc (09022015). Collection method: clinical testing. Allele origin: germline.
Comment: In summary, the available evidence is currently insufficient to determine the role of this variant in disease. Therefore, it has been classified as a Variant of Uncertain Significance. Advanced modeling of protein sequence and biophysical properties (such as structural, functional, and spatial information, amino acid conservation, physicochemical variation, residue mobility, and thermodynamic stability) performed at Invitae indicates that this missense variant is not expected to disrupt NF1 protein function. This variant has not been reported in the literature in individuals with NF1-related conditions. This variant is not present in population databases (ExAC no frequency). This sequence change replaces histidine with glutamine at codon 310 of the NF1 protein (p.His310Gln). The histidine residue is moderately conserved and there is a small physicochemical difference between histidine and glutamine.

NM_001042492.3(NF1):c.930T>A (p.His310Gln)

Gene: NF1 (neurofibromin 1; plus strand). Cytogenetic location: 17q11.2.
Variant type: single nucleotide variant.
Coding change: c.930T>A on transcript NM_001042492.3 (MANE Select); coding-DNA position 930, T replaced by A.
Protein change: p.His310Gln; replaces histidine 310 with glutamine.
Molecular consequence: missense variant.
Genome position (GRCh38, 1-based): chr17:31,200,463, T>A. VCF-style: chr17-31200463-T-A. GRCh37 (hg19) VCF-style: chr17-29527481-T-A.
Other names: c.930T>A, p.His310Gln (NM_000267.4, NM_001128147.3); short protein forms H310Q.
Identifiers: ClinVar variation 1472571 (VCV001472571.11), dbSNP rs1555610865, ClinGen allele CA398995675.